The following is an entry in ClinVar:

ClinVar aggregate classification (germline): Uncertain significance. Review status: criteria provided, multiple submitters, no conflicts (2 of 4 stars). 2 submissions from 2 submitters: Uncertain significance (2). Last evaluated 2025-11-23.

gnomAD v4.1: 8 of 1,611,330 alleles (0.0005%); highest among the groups gnomAD compares: Non-Finnish European, 0.00068%; no homozygotes.

Submissions (2):

Labcorp Genetics (formerly Invitae), Labcorp
Classification: Uncertain significance. Last evaluated: 2025-11-23. Review status: criteria provided, single submitter. Criteria: Invitae Variant Classification Sherloc (09022015). Collection method: clinical testing. Allele origin: germline.
Comment: This sequence change replaces lysine, which is basic and polar, with asparagine, which is neutral and polar, at codon 654 of the DSCAML1 protein (p.Lys654Asn). This variant is present in population databases (rs773755644, gnomAD 0.0009%). This variant has not been reported in the literature in individuals affected with DSCAML1-related conditions. ClinVar contains an entry for this variant (Variation ID: 3273819). An algorithm developed to predict the effect of missense changes on protein structure and function (PolyPhen-2) suggests that this variant is likely to be disruptive. In summary, the available evidence is currently insufficient to determine the role of this variant in disease. Therefore, it has been classified as a Variant of Uncertain Significance.

Ambry Genetics
Classification: Uncertain significance. Last evaluated: 2024-06-04. Review status: criteria provided, single submitter. Criteria: Ambry Variant Classification Scheme 2023. Collection method: clinical testing. Allele origin: germline.

NM_020693.4(DSCAML1):c.1782A>T (p.Lys594Asn)

Gene: DSCAML1 (DS cell adhesion molecule like 1; minus strand). Cytogenetic location: 11q23.3.
Variant type: single nucleotide variant.
Coding change: c.1782A>T on transcript NM_020693.4 (MANE Select); coding-DNA position 1782, A replaced by T.
Protein change: p.Lys594Asn; replaces lysine 594 with asparagine.
Molecular consequence: missense variant.
Genome position (GRCh38, 1-based): chr11:117,516,468, T>A on the plus strand (A>T on the coding strand, the complement: DSCAML1 is on the minus strand). VCF-style: chr11-117516468-T-A. GRCh37 (hg19) VCF-style: chr11-117387183-T-A.
Other names: c.1782A>T, p.Lys594Asn (NM_001367904.1); short protein forms K594N.
Identifiers: ClinVar variation 3273819 (VCV003273819.2).